The following is an entry in ClinVar:

NM_020812.4(DOCK6):c.1024-2A>T

Gene: DOCK6 (dedicator of cytokinesis 6; minus strand). Cytogenetic location: 19p13.2.
Variant type: single nucleotide variant.
Coding change: c.1024-2A>T on transcript NM_020812.4 (MANE Select); the canonical splice acceptor site of the intron before coding-DNA position 1024, A replaced by T.
Molecular consequence: splice acceptor variant.
Genome position (GRCh38, 1-based): chr19:11,243,884, T>A on the plus strand (A>T on the coding strand, the complement: DOCK6 is on the minus strand). VCF-style: chr19-11243884-T-A. GRCh37 (hg19) VCF-style: chr19-11354560-T-A.
Other names: c.1024-2A>T (NM_001367830.1).
Identifiers: ClinVar variation 650992 (VCV000650992.9), dbSNP rs1170041461, ClinGen allele CA404111265.

ClinVar aggregate classification (germline): Likely pathogenic (1 of 4 stars; one submission).

Allele frequency attached by ClinVar (database versions not stated): gnomAD exomes 0.00001.
gnomAD v4.1: 11 of 1,606,664 alleles (0.00068%); highest among the groups gnomAD compares: Non-Finnish European, 0.00093%; no homozygotes.

Submission:

Labcorp Genetics (formerly Invitae), Labcorp
Classification: Likely pathogenic. Last evaluated: 2019-02-13. Review status: criteria provided, single submitter. Criteria: Invitae Variant Classification Sherloc (09022015). Collection method: clinical testing. Allele origin: germline.
Comment: In summary, the currently available evidence indicates that the variant is pathogenic, but additional data are needed to prove that conclusively. Therefore, this variant has been classified as Likely Pathogenic. Donor and acceptor splice site variants typically lead to a loss of protein function (PMID: 16199547), and loss-of-function variants in DOCK6 are known to be pathogenic (PMID: 21820096, 25824905). Algorithms developed to predict the effect of sequence changes on RNA splicing suggest that this variant may disrupt the consensus splice site, but this prediction has not been confirmed by published transcriptional studies. This variant has not been reported in the literature in individuals with DOCK6-related disease. This variant is not present in population databases (ExAC no frequency). This sequence change affects an acceptor splice site in intron 9 of the DOCK6 gene. It is expected to disrupt RNA splicing and likely results in an absent or disrupted protein product.

Literature cited by the submitters: PubMed 16199547; PubMed 21820096; PubMed 25824905.